The following is an entry in ClinVar:

NM_000702.4(ATP1A2):c.1514A>C (p.Lys505Thr)

Gene: ATP1A2 (ATPase Na+/K+ transporting subunit alpha 2; plus strand). Cytogenetic location: 1q23.2.
Variant type: single nucleotide variant.
Coding change: c.1514A>C on transcript NM_000702.4 (MANE Select); coding-DNA position 1514, A replaced by C.
Protein change: p.Lys505Thr; replaces lysine 505 with threonine.
Molecular consequence: missense variant.
Genome position (GRCh38, 1-based): chr1:160,130,154, A>C. VCF-style: chr1-160130154-A-C. GRCh37 (hg19) VCF-style: chr1-160099944-A-C.
Other names: short protein forms K505T.
Identifiers: ClinVar variation 649022 (VCV000649022.10), dbSNP rs1570990059, ClinGen allele CA343243104.

ClinVar aggregate classification (germline): Uncertain significance (1 of 4 stars; one submission).

Conditions:
Familial hemiplegic migraine. Identifiers: MedGen C0338484, MONDO:0000700.

Submission:

Labcorp Genetics (formerly Invitae), Labcorp
Classification: Uncertain significance for Familial hemiplegic migraine. Last evaluated: 2019-08-07. Review status: criteria provided, single submitter. Criteria: Invitae Variant Classification Sherloc (09022015). Collection method: clinical testing. Allele origin: germline.
Comment: This sequence change replaces lysine with threonine at codon 505 of the ATP1A2 protein (p.Lys505Thr). The lysine residue is highly conserved and there is a moderate physicochemical difference between lysine and threonine. This variant is not present in population databases (ExAC no frequency). This variant has not been reported in the literature in individuals with ATP1A2-related disease. Algorithms developed to predict the effect of missense changes on protein structure and function (SIFT, PolyPhen-2, Align-GVGD) all suggest that this variant is likely to be disruptive, but these predictions have not been confirmed by published functional studies and their clinical significance is uncertain. In summary, the available evidence is currently insufficient to determine the role of this variant in disease. Therefore, it has been classified as a Variant of Uncertain Significance.